The following is an entry in ClinVar:

ClinVar aggregate classification (germline): Likely pathogenic (1 of 4 stars; one submission).

Conditions:
Autosomal recessive Alport syndrome (ATS2). Also called: COL4A3-Related Nephropathy; COL4A4 Alport Syndrome and Thin Basement Membrane Nephropathy; ALPORT SYNDROME 2, AUTOSOMAL RECESSIVE; Alport syndrome type 2. Identifiers: Orphanet 63, Orphanet 88919, MedGen C4746745, MONDO:0008762, OMIM 203780.

Submission:

Myriad Genetics, Inc.
Classification: Likely pathogenic for Autosomal recessive Alport syndrome. Last evaluated: 2022-03-30. Review status: criteria provided, single submitter. Criteria: Myriad Women's Health Autosomal Recessive and X-Linked Classification Criteria (2021). Collection method: clinical testing. Allele origin: unknown.
Comment: NM_000092.4(COL4A4):c.913G>T(G305*) is expected to be pathogenic in the context of COL4A4-related Alport syndrome. This variant is predicted to lead to an abnormal or absent protein product due to the creation of a premature termination codon in COL4A4, a gene where loss-of-function variants are known to be pathogenic. Please note: this variant was assessed in the context of healthy population screening.

NM_000092.5(COL4A4):c.913G>T (p.Gly305Ter)

Gene: COL4A4 (collagen type IV alpha 4 chain; minus strand). Cytogenetic location: 2q36.3.
Variant type: single nucleotide variant.
Coding change: c.913G>T on transcript NM_000092.5 (MANE Select); coding-DNA position 913, G replaced by T.
Protein change: p.Gly305Ter; replaces glycine 305 with a stop codon.
Molecular consequence: nonsense.
Genome position (GRCh38, 1-based): chr2:227,102,806, C>A on the plus strand (G>T on the coding strand, the complement: COL4A4 is on the minus strand). VCF-style: chr2-227102806-C-A. GRCh37 (hg19) VCF-style: chr2-227967522-C-A.
Other names: short protein forms G305*.
Identifiers: ClinVar variation 1725647 (VCV001725647.2), dbSNP rs1045939403, ClinGen allele CA350857087.